The following is an entry in ClinVar:

ClinVar aggregate classification (germline): Uncertain significance (1 of 4 stars; one submission).

Conditions:
Primary ciliary dyskinesia. Also called: Ciliary dyskinesia. Identifiers: Orphanet 244, MedGen C0008780, MONDO:0016575, HP:0012265.

gnomAD v4.1: 3 of 1,614,122 alleles (0.00019%); highest among the groups gnomAD compares: Admixed American, 0.005%; no homozygotes.

Submission:

Ambry Genetics
Classification: Uncertain significance for Primary ciliary dyskinesia. Last evaluated: 2026-03-09. Review status: criteria provided, single submitter. Criteria: Ambry Variant Classification Scheme 2023. Collection method: clinical testing. Allele origin: germline.
Comment: The p.E497G variant (also known as c.1490A>G), located in coding exon 10 of the ARMC4 gene, results from an A to G substitution at nucleotide position 1490. The glutamic acid at codon 497 is replaced by glycine, an amino acid with similar properties. This amino acid position is conserved. In addition, the in silico prediction for this alteration is inconclusive. Based on the available evidence, the clinical significance of this variant remains unclear.

NM_018076.5(ODAD2):c.1490A>G (p.Glu497Gly)

Gene: ODAD2 (outer dynein arm docking complex subunit 2; minus strand). Cytogenetic location: 10p12.1.
Variant type: single nucleotide variant.
Coding change: c.1490A>G on transcript NM_018076.5 (MANE Select); coding-DNA position 1490, A replaced by G.
Protein change: p.Glu497Gly; replaces glutamic acid 497 with glycine.
Molecular consequence: missense variant.
Genome position (GRCh38, 1-based): chr10:27,944,859, T>C on the plus strand (A>G on the coding strand, the complement: ODAD2 is on the minus strand). VCF-style: chr10-27944859-T-C. GRCh37 (hg19) VCF-style: chr10-28233788-T-C.
Other names: c.1490A>G, p.Glu497Gly (NM_001290020.2); c.65A>G, p.Glu22Gly (NM_001290021.2); c.566A>G, p.Glu189Gly (NM_001312689.2); short protein forms E189G, E497G, E22G.
Identifiers: ClinVar variation 4844009 (VCV004844009.1).